The following is an entry in ClinVar:

NM_000426.4(LAMA2):c.6215T>C (p.Leu2072Pro)

Genes: LAMA2 (laminin subunit alpha 2; plus strand), LOC123864065 (Sharpr-MPRA regulatory region 661; plus strand). Cytogenetic location: 6q22.33.
Variant type: single nucleotide variant.
Coding change: c.6215T>C on transcript NM_000426.4 (MANE Select); coding-DNA position 6215, T replaced by C.
Protein change: p.Leu2072Pro; replaces leucine 2072 with proline.
Molecular consequence: missense variant.
Genome position (GRCh38, 1-based): chr6:129,440,945, T>C. VCF-style: chr6-129440945-T-C. GRCh37 (hg19) VCF-style: chr6-129762090-T-C.
Other names: c.6215T>C, p.Leu2072Pro (NM_001079823.2); short protein forms L2072P.
Identifiers: ClinVar variation 1036823 (VCV001036823.6), dbSNP rs757709716, ClinGen allele CA3994135.

ClinVar aggregate classification (germline): Uncertain significance (1 of 4 stars; one submission).

Conditions:
LAMA2-related muscular dystrophy (LAMA2-RD). Also called: Laminin alpha 2-related dystrophy. Identifiers: MedGen C5679788, MONDO:0100228.

Allele frequency attached by ClinVar (database versions not stated): gnomAD exomes below 0.00001; ExAC 0.00001.
gnomAD v4.1: 3 of 1,613,940 alleles (0.00019%); highest among the groups gnomAD compares: Non-Finnish European, 0.00025%; no homozygotes.

Submission:

Labcorp Genetics (formerly Invitae), Labcorp
Classification: Uncertain significance for LAMA2-related muscular dystrophy. Last evaluated: 2022-07-06. Review status: criteria provided, single submitter. Criteria: Invitae Variant Classification Sherloc (09022015). Collection method: clinical testing. Allele origin: germline.
Comment: This sequence change replaces leucine, which is neutral and non-polar, with proline, which is neutral and non-polar, at codon 2072 of the LAMA2 protein (p.Leu2072Pro). This variant is present in population databases (rs757709716, gnomAD 0.0009%). This variant has not been reported in the literature in individuals affected with LAMA2-related conditions. ClinVar contains an entry for this variant (Variation ID: 1036823). Advanced modeling of protein sequence and biophysical properties (such as structural, functional, and spatial information, amino acid conservation, physicochemical variation, residue mobility, and thermodynamic stability) performed at Invitae indicates that this missense variant is not expected to disrupt LAMA2 protein function. In summary, the available evidence is currently insufficient to determine the role of this variant in disease. Therefore, it has been classified as a Variant of Uncertain Significance.